The following is an entry in ClinVar:

ClinVar aggregate classification (germline): Likely pathogenic (1 of 4 stars; one submission).

Conditions:
Cortical dysplasia-focal epilepsy syndrome (PTHSL1). Also called: Pitt-Hopkins-like syndrome 1. Identifiers: Orphanet 163681, Orphanet 221150, MedGen C2750246, MONDO:0012400, OMIM 610042.

Submission:

Labcorp Genetics (formerly Invitae), Labcorp
Classification: Likely pathogenic for Cortical dysplasia-focal epilepsy syndrome. Last evaluated: 2022-05-11. Review status: criteria provided, single submitter. Criteria: Invitae Variant Classification Sherloc (09022015). Collection method: clinical testing. Allele origin: germline.
Comment: This variant results in a copy number gain of the genomic region encompassing exon(s) 4-8 of the CNTNAP2 gene. While the exact position of this variant cannot be determined from the data, sub-genic copy number gains are generally in tandem (PMID: 25640679). This variant is predicted to be out-of-frame, and may result in an absent or disrupted protein product. Loss-of-function variants in CNTNAP2 are known to be pathogenic (PMID: 19896112, 21827697, 25045150, 26843181, 27439707). This variant has not been reported in the literature in individuals affected with CNTNAP2-related conditions. In summary, the currently available evidence indicates that the variant is pathogenic, but additional data are needed to prove that conclusively. Therefore, this variant has been classified as Likely Pathogenic.

Literature cited by the submitters: PubMed 25640679; PubMed 19896112; PubMed 21827697; PubMed 25045150; PubMed 26843181; PubMed 27439707.

NC_000007.13:g.(?_146740979)_(146829621_?)dup

Gene: CNTNAP2 (contactin associated protein 2; plus strand). Cytogenetic location: 7q35.
Variant type: Duplication.
Identifiers: ClinVar variation 2425905 (VCV002425905.6).